The following is an entry in ClinVar:

NM_000631.5(NCF4):c.628-3C>T

Gene: NCF4 (neutrophil cytosolic factor 4; plus strand). Cytogenetic location: 22q12.3.
Variant type: single nucleotide variant.
Coding change: c.628-3C>T on transcript NM_000631.5 (MANE Select); 3 bases into the intron before coding-DNA position 628, C replaced by T.
Molecular consequence: intron variant.
Genome position (GRCh38, 1-based): chr22:36,875,650, C>T. VCF-style: chr22-36875650-C-T. GRCh37 (hg19) VCF-style: chr22-37271692-C-T.
Other names: c.628-3C>T (NM_013416.4).
Identifiers: ClinVar variation 859548 (VCV000859548.10), dbSNP rs920454179, ClinGen allele CA323996386.

ClinVar aggregate classification (germline): Uncertain significance (1 of 4 stars; one submission).

Conditions:
Granulomatous disease, chronic, autosomal recessive, cytochrome b-positive, type 3. Also called: GRANULOMATOUS DISEASE, CHRONIC, AUTOSOMAL RECESSIVE, 3; CGD, AUTOSOMAL RECESSIVE CYTOCHROME b-POSITIVE, TYPE III; GRANULOMATOUS DISEASE, CHRONIC, DUE TO NCF4 DEFICIENCY; Granulomatous disease, chronic, autosomal recessive, cytochrome b-positive, type III. Identifiers: Orphanet 379, MedGen C3151409, MONDO:0013507, OMIM 613960.

Allele frequency attached by ClinVar (database versions not stated): gnomAD exomes below 0.00001; gnomAD 0.00001; TOPMed 0.00002.
gnomAD v4.1: 4 of 1,610,986 alleles (0.00025%); highest among the groups gnomAD compares: African/African-American, 0.0053%; no homozygotes.

Submission:

Labcorp Genetics (formerly Invitae), Labcorp
Classification: Uncertain significance for Granulomatous disease, chronic, autosomal recessive, cytochrome b-positive, type 3. Last evaluated: 2019-03-04. Review status: criteria provided, single submitter. Criteria: Invitae Variant Classification Sherloc (09022015). Collection method: clinical testing. Allele origin: germline.
Comment: In summary, the available evidence is currently insufficient to determine the role of this variant in disease. Therefore, it has been classified as a Variant of Uncertain Significance. Nucleotide substitutions within the consensus splice site are a relatively common cause of aberrant splicing (PMID: 17576681, 9536098). Algorithms developed to predict the effect of sequence changes on RNA splicing suggest that this variant is not likely to affect RNA splicing, but this prediction has not been confirmed by published transcriptional studies. This variant has not been reported in the literature in individuals with NCF4-related conditions. This variant is not present in population databases (ExAC no frequency). This sequence change falls in intron 7 of the NCF4 gene. It does not directly change the encoded amino acid sequence of the NCF4 protein, but it affects a nucleotide within the consensus splice site of the intron.

Literature cited by the submitters: PubMed 17576681; PubMed 9536098.